The following is an entry in ClinVar:

ClinVar aggregate classification (germline): Uncertain significance. Review status: criteria provided, multiple submitters, no conflicts (2 of 4 stars). 2 submissions from 2 submitters: Uncertain significance (2). Last evaluated 2025-08-11.

Conditions:
EGFR-related lung cancer (EGFR). Identifiers: MedGen CN130014.
Hereditary cancer-predisposing syndrome. Also called: Tumor predisposition; Hereditary Cancer Syndrome; Hereditary neoplastic syndrome; Neoplastic Syndromes, Hereditary. Identifiers: Orphanet 140162, MedGen C0027672, MeSH D009386, MONDO:0015356.

gnomAD v4.1: 6 of 1,614,208 alleles (0.00037%); highest among the groups gnomAD compares: Non-Finnish European, 0.00042%; no homozygotes.

Submissions (2):

Labcorp Genetics (formerly Invitae), Labcorp
Classification: Uncertain significance for EGFR-related lung cancer. Last evaluated: 2025-08-11. Review status: criteria provided, single submitter. Criteria: Invitae Variant Classification Sherloc (09022015). Collection method: clinical testing. Allele origin: germline.
Comment: This sequence change replaces histidine, which is basic and polar, with aspartic acid, which is acidic and polar, at codon 773 of the EGFR protein (p.His773Asp). This variant is not present in population databases (gnomAD no frequency). This variant has not been reported in the literature in individuals affected with EGFR-related conditions. ClinVar contains an entry for this variant (Variation ID: 1968557). Invitae Evidence Modeling of protein sequence and biophysical properties (such as structural, functional, and spatial information, amino acid conservation, physicochemical variation, residue mobility, and thermodynamic stability) indicates that this missense variant is not expected to disrupt EGFR protein function with a negative predictive value of 80%. In summary, the available evidence is currently insufficient to determine the role of this variant in disease. Therefore, it has been classified as a Variant of Uncertain Significance.

Ambry Genetics
Classification: Uncertain significance for Hereditary cancer-predisposing syndrome. Last evaluated: 2025-02-04. Review status: criteria provided, single submitter. Criteria: Ambry Variant Classification Scheme 2023. Collection method: clinical testing. Allele origin: germline.
Comment: The p.H773D variant (also known as c.2317C>G), located in coding exon 20 of the EGFR gene, results from a C to G substitution at nucleotide position 2317. The histidine at codon 773 is replaced by aspartic acid, an amino acid with similar properties. This variant has been reported in 1/1120 pediatric cancer patients who underwent whole genome sequencing and/or whole exome sequencing; this patient was/were diagnosed with hyperdiploid ALL (Zhang J et al. N Engl J Med, 2015 Dec;373:2336-2346). This amino acid position is well conserved in available vertebrate species. In addition, this alteration is predicted to be deleterious by in silico analysis. Based on the available evidence, the clinical significance of this variant remains unclear.

Literature cited by the submitters: PubMed 26580448 (cited by Ambry Genetics).

NM_005228.5(EGFR):c.2317C>G (p.His773Asp)

Genes: EGFR-AS1 (EGFR antisense RNA 1; minus strand), EGFR (epidermal growth factor receptor; plus strand). Cytogenetic location: 7p11.2.
Variant type: single nucleotide variant.
Coding change: c.2317C>G on transcript NM_005228.5 (MANE Select); coding-DNA position 2317, C replaced by G.
Protein change: p.His773Asp; replaces histidine 773 with aspartic acid.
Molecular consequence: missense variant. On other transcripts: non-coding transcript variant (1).
Genome position (GRCh38, 1-based): chr7:55,181,326, C>G. VCF-style: chr7-55181326-C-G. GRCh37 (hg19) VCF-style: chr7-55249019-C-G.
Other names: c.2182C>G, p.His728Asp (NM_001346897.2, NM_001346899.2); c.2317C>G, p.His773Asp (NM_001346898.2); c.2158C>G, p.His720Asp (NM_001346900.2); c.1516C>G, p.His506Asp (NM_001346941.2); short protein forms H728D, H506D, H720D, H773D.
Identifiers: ClinVar variation 1968557 (VCV001968557.6), dbSNP rs767075090, ClinGen allele CA158928422.